The following is an entry in ClinVar:

NM_000179.3(MSH6):c.21G>T (p.Leu7=)

Gene: MSH6 (mutS homolog 6; plus strand). Cytogenetic location: 2p16.3.
Variant type: single nucleotide variant.
Coding change: c.21G>T on transcript NM_000179.3 (MANE Select); coding-DNA position 21, G replaced by T.
Protein change: p.Leu7=; no amino-acid change (leucine 7 retained).
Molecular consequence: synonymous variant. On other transcripts: 5 prime UTR variant (1).
Genome position (GRCh38, 1-based): chr2:47,783,254, G>T. VCF-style: chr2-47783254-G-T. GRCh37 (hg19) VCF-style: chr2-48010393-G-T.
Other names: c.-716G>T (NM_001281493.2); c.21G>T, p.Leu7= (NM_001281492.2).
Identifiers: ClinVar variation 483856 (VCV000483856.19), dbSNP rs757815307, ClinGen allele CA068604.

ClinVar aggregate classification (germline): Benign/Likely benign. Review status: criteria provided, multiple submitters, no conflicts (2 of 4 stars). 7 submissions from 7 submitters: Benign (1); Likely benign (6). Last evaluated 2025-12-08.

Conditions:
Hereditary cancer-predisposing syndrome. Also called: Neoplastic Syndromes, Hereditary; Tumor predisposition; Hereditary Cancer Syndrome; Hereditary neoplastic syndrome. Identifiers: Orphanet 140162, MedGen C0027672, MeSH D009386, MONDO:0015356.
Lynch syndrome. Identifiers: Orphanet 144, MedGen C4552100, MONDO:0005835. Disease mechanism: loss of function.
Hereditary nonpolyposis colorectal neoplasms. Identifiers: MedGen C0009405, MeSH D003123.
Lynch syndrome 5 (LYNCH5). Also called: Colorectal cancer, hereditary nonpolyposis, type 5; Hereditary non-polyposis colorectal cancer, type 5. Identifiers: Orphanet 144, MedGen C1833477, MONDO:0013710, OMIM 614350. Disease mechanism: loss of function.

Allele frequency attached by ClinVar (database versions not stated): ExAC 0.00001; gnomAD exomes 0.00001.
gnomAD v4.1: 3 of 1,612,054 alleles (0.00019%); highest among the groups gnomAD compares: Admixed American, 0.005%; no homozygotes.

Submissions (7):

Labcorp Genetics (formerly Invitae), Labcorp
Classification: Likely benign for Hereditary nonpolyposis colorectal neoplasms. Last evaluated: 2025-12-08. Review status: criteria provided, single submitter. Criteria: Invitae Variant Classification Sherloc (09022015). Collection method: clinical testing. Allele origin: germline.

Myriad Genetics, Inc.
Classification: Benign for Lynch syndrome 5. Last evaluated: 2024-12-16. Review status: criteria provided, single submitter. Criteria: Myriad Autosomal Dominant, Autosomal Recessive and X-Linked Classification Criteria (2023). Collection method: clinical testing. Allele origin: unknown.
Comment: This variant is considered benign. This variant is a silent/synonymous amino acid change and it is not expected to impact splicing.

All of Us Research Program, National Institutes of Health
Classification: Likely benign for Lynch syndrome. Last evaluated: 2023-05-31. Review status: criteria provided, single submitter. Criteria: ACMG Guidelines, 2015. Collection method: clinical testing. Allele origin: germline. Inheritance: Autosomal dominant inheritance. Observed: 1 variant allele, 1 heterozygote.
Comment: This study involves interpretation of variants in research participants for the purpose of population health screening. Participant phenotype was not available at the time of variant classification. Additional details can be found in publication PMID: 35346344, PMCID: PMC8962531

Sema4
Classification: Likely benign for Hereditary cancer-predisposing syndrome. Last evaluated: 2021-12-09. Review status: criteria provided, single submitter. Criteria: Sema4 Curation Guidelines. Collection method: curation. Allele origin: germline.

Ambry Genetics
Classification: Likely benign for Hereditary cancer-predisposing syndrome. Last evaluated: 2017-08-17. Review status: criteria provided, single submitter. Criteria: Ambry Variant Classification Scheme 2023. Collection method: clinical testing. Allele origin: germline.

GeneDx
Classification: Likely benign. Last evaluated: 2017-06-15. Review status: criteria provided, single submitter. Criteria: GeneDx Variant Classification (06012015). Collection method: clinical testing. Allele origin: germline. Affected: yes.
Comment: This variant is considered likely benign or benign based on one or more of the following criteria: it is a conservative change, it occurs at a poorly conserved position in the protein, it is predicted to be benign by multiple in silico algorithms, and/or has population frequency not consistent with disease.

Color Diagnostics, LLC DBA Color Health
Classification: Likely benign for Hereditary cancer-predisposing syndrome. Last evaluated: 2016-05-29. Review status: criteria provided, single submitter. Criteria: ACMG Guidelines, 2015. Collection method: clinical testing. Allele origin: germline.